The following is an entry in ClinVar:

ClinVar aggregate classification (germline): Pathogenic (1 of 4 stars; one submission).

Conditions:
Multiple congenital anomalies-hypotonia-seizures syndrome 1 (MCAHS1). Also called: GLYCOSYLPHOSPHATIDYLINOSITOL BIOSYNTHESIS DEFECT 3; PIGN-CDG; Congenital disorder of glycosylation due to PIGN deficiency. Identifiers: Orphanet 280633, MedGen C3279775, MONDO:0013563, OMIM 614080.

Submission:

Labcorp Genetics (formerly Invitae), Labcorp
Classification: Pathogenic for Multiple congenital anomalies-hypotonia-seizures syndrome 1. Last evaluated: 2020-10-08. Review status: criteria provided, single submitter. Criteria: Invitae Variant Classification Sherloc (09022015). Collection method: clinical testing. Allele origin: germline.
Comment: This variant is an out-of-frame deletion of the genomic region encompassing exon(s) 13-14 of the PIGN gene. This is expected to create a premature translational stop signal and result in an absent or disrupted protein product. This variant has not been reported in the literature in individuals with PIGN-related conditions. Loss-of-function variants in PIGN are known to be pathogenic (PMID: 24253414, 27038415). For these reasons, this variant has been classified as Pathogenic.

Literature cited by the submitters: PubMed 24253414; PubMed 27038415.

NC_000018.9:g.(?_59805466)_(59806318_?)del

Gene: PIGN (phosphatidylinositol glycan anchor biosynthesis class N; minus strand). Cytogenetic location: 18q21.33.
Variant type: Deletion.
Identifiers: ClinVar variation 1073974 (VCV001073974.1).